The following is an entry in ClinVar:

ClinVar aggregate classification (germline): Benign. Review status: criteria provided, multiple submitters, no conflicts (2 of 4 stars). 2 submissions from 2 submitters: Benign (2). Last evaluated 2018-01-13.

Conditions:
Klippel-Feil syndrome 1, autosomal dominant (KFS1). Also called: CERVICAL VERTEBRAL FUSION, AUTOSOMAL DOMINANT. Identifiers: Orphanet 2345, MedGen C1861689, MONDO:0007306, OMIM 118100.

Allele frequency attached by ClinVar (database versions not stated): gnomAD exomes 0.53200; 1000 Genomes Project 0.57987; 1000 Genomes Project 30x 0.58542; TOPMed 0.64435; gnomAD 0.65099 and 0.66099.
gnomAD v4.1: 136,429 of 223,256 alleles (61%); highest among the groups gnomAD compares: African/African-American, 88%; 45,123 homozygotes.

Submissions (2):

Illumina Laboratory Services, Illumina
Classification: Benign for Klippel-Feil syndrome 1, autosomal dominant. Last evaluated: 2018-01-13. Review status: criteria provided, single submitter. Criteria: ICSL Variant Classification Criteria 13 December 2019. Collection method: clinical testing. Allele origin: germline.
Comment: This variant was observed in the ICSL laboratory as part of a predisposition screen in an ostensibly healthy population. It had not been previously curated by ICSL or reported in the Human Gene Mutation Database (HGMD: prior to June 1st, 2018), and was therefore a candidate for classification through an automated scoring system. Utilizing variant allele frequency, disease prevalence and penetrance estimates, and inheritance mode, an automated score was calculated to assess if this variant is too frequent to cause the disease. Based on the score and internal cut-off values, a variant classified as benign is not then subjected to further curation. The score for this variant resulted in a classification of benign for this disease.

Breakthrough Genomics
Classification: Benign. Review status: criteria provided, single submitter. Criteria: ACMG Guidelines, 2015. Collection method: not provided. Allele origin: germline. Inheritance: Autosomal recessive inheritance. Affected: yes.

NM_001001557.4(GDF6):c.*380A>G

Gene: GDF6 (growth differentiation factor 6; minus strand). Cytogenetic location: 8q22.1.
Variant type: single nucleotide variant.
Coding change: c.*380A>G on transcript NM_001001557.4 (MANE Select); 380 bases downstream of the stop codon, A replaced by G.
Molecular consequence: 3 prime UTR variant.
Genome position (GRCh38, 1-based): chr8:96,144,183, T>C on the plus strand (A>G on the coding strand, the complement: GDF6 is on the minus strand). VCF-style: chr8-96144183-T-C. GRCh37 (hg19) VCF-style: chr8-97156411-T-C.
Identifiers: ClinVar variation 364023 (VCV000364023.6), dbSNP rs2440199, ClinGen allele CA10625962.
Genomic context (GRCh38, chr8:96,144,183, plus strand): 5'-CCCTTTTTAAACTGTTATTTTTTCAATCCATGGAGCAGTTGAGAAACGGGTATGCATCTC[T>C]CCTCCCCTCCCCTTCTATCAAAGCCTGTAAGACACATAAGGAAATCCAAAGCCACAGTAA-3'